The following is an entry in ClinVar:

ClinVar aggregate classification (germline): Uncertain significance (1 of 4 stars; one submission).

Allele frequency attached by ClinVar (database versions not stated): gnomAD exomes below 0.00001.
gnomAD v4.1: 2 of 1,614,146 alleles (0.00012%); highest among the groups gnomAD compares: Non-Finnish European, 0.000085%; no homozygotes.

Submission:

Labcorp Genetics (formerly Invitae), Labcorp
Classification: Uncertain significance. Last evaluated: 2022-03-12. Review status: criteria provided, single submitter. Criteria: Invitae Variant Classification Sherloc (09022015). Collection method: clinical testing. Allele origin: germline.
Comment: In summary, the available evidence is currently insufficient to determine the role of this variant in disease. Therefore, it has been classified as a Variant of Uncertain Significance. Algorithms developed to predict the effect of missense changes on protein structure and function output the following: SIFT: "Tolerated"; PolyPhen-2: "Probably Damaging"; Align-GVGD: "Class C0". The isoleucine amino acid residue is found in multiple mammalian species, which suggests that this missense change does not adversely affect protein function. This variant has not been reported in the literature in individuals affected with CD55-related conditions. This variant is not present in population databases (gnomAD no frequency). This sequence change replaces valine, which is neutral and non-polar, with isoleucine, which is neutral and non-polar, at codon 42 of the CD55 protein (p.Val42Ile).

NM_000574.5(CD55):c.124G>A (p.Val42Ile)

Gene: CD55 (CD55 molecule (Cromer blood group); plus strand). Cytogenetic location: 1q32.2.
Variant type: single nucleotide variant.
Coding change: c.124G>A on transcript NM_000574.5 (MANE Select); coding-DNA position 124, G replaced by A.
Protein change: p.Val42Ile; replaces valine 42 with isoleucine.
Molecular consequence: missense variant. On other transcripts: non-coding transcript variant (1).
Genome position (GRCh38, 1-based): chr1:207,322,405, G>A. VCF-style: chr1-207322405-G-A. GRCh37 (hg19) VCF-style: chr1-207495750-G-A.
Other names: c.124G>A, p.Val42Ile (NM_001114752.3, NM_001300902.2, NM_001300903.2 and 1 more transcripts); short protein forms V42I.
Identifiers: ClinVar variation 2109834 (VCV002109834.4), dbSNP rs2102372579, ClinGen allele CA344515057.